The following is an entry in ClinVar:

NC_012920.1(MT-CO3):m.9336A>G

Gene: MT-CO3 (mitochondrially encoded cytochrome c oxidase III; plus strand).
Variant type: single nucleotide variant.
Genome position: chrM-9336-A-G.
Identifiers: ClinVar variation 693152 (VCV000693152.1), dbSNP rs28474779, ClinGen allele CA337098328.

ClinVar aggregate classification (germline): Benign (1 of 4 stars; one submission).

Conditions:
Leigh syndrome (NULS). Also called: Leigh's necrotizing encephalopathy; Leigh's disease; Leigh Syndrome (mtDNA deletion); Leigh Disease; Subacute necrotizing encephalopathy; Necrotizing encephalopathy infantile subacute of Leigh. Identifiers: Orphanet 506, MedGen C2931891, MONDO:0009723, OMIM 256000.

Submission:

Wong Mito Lab, Molecular and Human Genetics, Baylor College of Medicine
Classification: Benign for Leigh syndrome. Last evaluated: 2019-10-17. Review status: criteria provided, single submitter. Criteria: Modified ACMG Guidelines (Unpublished). Collection method: clinical testing. Allele origin: germline.
Comment: The NC_012920.1:m.9336A>G (YP_003024032.1:p.Met44Val) variant in MTCO3 gene is interpretated to be a Benign variant based on the modified ACMG guidelines (unpublished). This variant meets the following evidence codes: BS1, BS2, BP4